The following is an entry in ClinVar:

NM_001384474.1(LOXHD1):c.1191G>T (p.Trp397Cys)

Gene: LOXHD1 (lipoxygenase homology PLAT domains 1; minus strand). Cytogenetic location: 18q21.1.
Variant type: single nucleotide variant.
Coding change: c.1191G>T on transcript NM_001384474.1 (MANE Select); coding-DNA position 1191, G replaced by T.
Protein change: p.Trp397Cys; replaces tryptophan 397 with cysteine.
Molecular consequence: missense variant.
Genome position (GRCh38, 1-based): chr18:46,594,410, C>A on the plus strand (G>T on the coding strand, the complement: LOXHD1 is on the minus strand). VCF-style: chr18-46594410-C-A. GRCh37 (hg19) VCF-style: chr18-44174373-C-A.
Other names: c.1191G>T, p.Trp397Cys (NM_144612.7); short protein forms W397C.
Identifiers: ClinVar variation 326874 (VCV000326874.10), dbSNP rs201033524, ClinGen allele CA8952836.
Genomic context (GRCh38, chr18:46,594,410, plus strand): 5'-GAGAGACACCATCTCATAGAGCTGCCTCTCAATCAACCCATCCGCTTTCTTCTCATCCAG[C>A]CAGTTGCTACAAGGGAAGGTCTGCTGGATACCAGTGAAGGGGCACAGAATCACCACCTGG-3'
Protein context (NP_001371403.1, residues 387-407): GIQQTFPCSN[Trp397Cys]LDEKKADGLI

ClinVar aggregate classification (germline): Uncertain significance. Review status: criteria provided, multiple submitters, no conflicts (2 of 4 stars). 3 submissions from 3 submitters: Uncertain significance (3). Last evaluated 2026-02-01.

Conditions:
Autosomal recessive nonsyndromic hearing loss 77. Identifiers: Orphanet 90636, MedGen C2746083, MONDO:0013119, OMIM 613079.

Allele frequency attached by ClinVar (database versions not stated): gnomAD below 0.00001 and 0.00009; TOPMed 0.00002; gnomAD exomes 0.00023; 1000 Genomes Project 30x 0.00031; ExAC 0.00040.
gnomAD v4.1: 157 of 1,551,666 alleles (0.01%); highest among the groups gnomAD compares: South Asian, 0.17%; no homozygotes.

Submissions (3):

CeGaT Center for Human Genetics Tuebingen
Classification: Uncertain significance. Last evaluated: 2026-02-01. Review status: criteria provided, single submitter. Criteria: CeGaT Center For Human Genetics Tuebingen Variant Classification Criteria Version 2. Collection method: clinical testing. Allele origin: germline. Affected: yes. Observed: 1 variant allele.
Comment: LOXHD1: PM2, PP3

Labcorp Genetics (formerly Invitae), Labcorp
Classification: Uncertain significance. Last evaluated: 2022-04-24. Review status: criteria provided, single submitter. Criteria: Invitae Variant Classification Sherloc (09022015). Collection method: clinical testing. Allele origin: germline.
Comment: This sequence change replaces tryptophan, which is neutral and slightly polar, with cysteine, which is neutral and slightly polar, at codon 397 of the LOXHD1 protein (p.Trp397Cys). This variant is present in population databases (rs201033524, gnomAD 0.2%). This variant has not been reported in the literature in individuals affected with LOXHD1-related conditions. ClinVar contains an entry for this variant (Variation ID: 326874). Algorithms developed to predict the effect of missense changes on protein structure and function are either unavailable or do not agree on the potential impact of this missense change (SIFT: "Deleterious"; PolyPhen-2: "Benign"; Align-GVGD: "Class C0"). In summary, the available evidence is currently insufficient to determine the role of this variant in disease. Therefore, it has been classified as a Variant of Uncertain Significance.

Illumina Laboratory Services, Illumina
Classification: Uncertain significance for Autosomal recessive nonsyndromic hearing loss 77. Last evaluated: 2018-01-12. Review status: criteria provided, single submitter. Criteria: ICSL Variant Classification Criteria 13 December 2019. Collection method: clinical testing. Allele origin: germline.